The following is an entry in ClinVar:

ClinVar aggregate classification (germline): Uncertain significance (1 of 4 stars; one submission).

Allele frequency attached by ClinVar (database versions not stated): TOPMed below 0.00001.
gnomAD v4.1: 12 of 1,614,044 alleles (0.00074%); highest among the groups gnomAD compares: South Asian, 0.0033%; no homozygotes.

Submission:

Labcorp Genetics (formerly Invitae), Labcorp
Classification: Uncertain significance. Last evaluated: 2025-07-21. Review status: criteria provided, single submitter. Criteria: Invitae Variant Classification Sherloc (09022015). Collection method: clinical testing. Allele origin: germline.
Comment: This sequence change replaces proline, which is neutral and non-polar, with serine, which is neutral and polar, at codon 779 of the BACH2 protein (p.Pro779Ser). This variant is present in population databases (no rsID available, gnomAD 0.01%). This variant has not been reported in the literature in individuals affected with BACH2-related conditions. ClinVar contains an entry for this variant (Variation ID: 2003267). Invitae Evidence Modeling of protein sequence and biophysical properties (such as structural, functional, and spatial information, amino acid conservation, physicochemical variation, residue mobility, and thermodynamic stability) indicates that this missense variant is not expected to disrupt BACH2 protein function with a negative predictive value of 80%. In summary, the available evidence is currently insufficient to determine the role of this variant in disease. Therefore, it has been classified as a Variant of Uncertain Significance.

NM_021813.4(BACH2):c.2335C>T (p.Pro779Ser)

Gene: BACH2 (BACH transcriptional regulator 2; minus strand). Cytogenetic location: 6q15.
Variant type: single nucleotide variant.
Coding change: c.2335C>T on transcript NM_021813.4 (MANE Select); coding-DNA position 2335, C replaced by T.
Protein change: p.Pro779Ser; replaces proline 779 with serine.
Molecular consequence: missense variant.
Genome position (GRCh38, 1-based): chr6:89,932,599, G>A on the plus strand (C>T on the coding strand, the complement: BACH2 is on the minus strand). VCF-style: chr6-89932599-G-A. GRCh37 (hg19) VCF-style: chr6-90642318-G-A.
Other names: c.2335C>T, p.Pro779Ser (NM_001170794.2); short protein forms P779S.
Identifiers: ClinVar variation 2003267 (VCV002003267.4), dbSNP rs1392983013, ClinGen allele CA365027154.